The following is an entry in ClinVar:

ClinVar aggregate classification (germline): Uncertain significance. Review status: criteria provided, multiple submitters, no conflicts (2 of 4 stars). 2 submissions from 2 submitters: Uncertain significance (2). Last evaluated 2022-07-03.

Conditions:
Inborn genetic diseases. Identifiers: MedGen C0950123, MeSH D030342.

Allele frequency attached by ClinVar (database versions not stated): gnomAD exomes below 0.00001; ExAC 0.00002; gnomAD 0.00002; TOPMed 0.00002.

Submissions (2):

Labcorp Genetics (formerly Invitae), Labcorp
Classification: Uncertain significance. Last evaluated: 2022-07-03. Review status: criteria provided, single submitter. Criteria: Invitae Variant Classification Sherloc (09022015). Collection method: clinical testing. Allele origin: germline.
Comment: This variant has not been reported in the literature in individuals affected with UNC45A-related conditions. Algorithms developed to predict the effect of missense changes on protein structure and function are either unavailable or do not agree on the potential impact of this missense change (SIFT: "Not Available"; PolyPhen-2: "Benign"; Align-GVGD: "Not Available"). In summary, the available evidence is currently insufficient to determine the role of this variant in disease. Therefore, it has been classified as a Variant of Uncertain Significance. This sequence change replaces arginine, which is basic and polar, with histidine, which is basic and polar, at codon 202 of the UNC45A protein (p.Arg202His). This variant is present in population databases (rs752692631, gnomAD 0.007%).

Ambry Genetics
Classification: Uncertain significance for Inborn genetic diseases. Last evaluated: 2022-06-24. Review status: criteria provided, single submitter. Criteria: Ambry Variant Classification Scheme 2023. Collection method: clinical testing. Allele origin: germline.

NM_018671.5(UNC45A):c.605G>A (p.Arg202His)

Gene: UNC45A (unc-45 myosin chaperone A; plus strand). Cytogenetic location: 15q26.1.
Variant type: single nucleotide variant.
Coding change: c.605G>A on transcript NM_018671.5 (MANE Select); coding-DNA position 605, G replaced by A.
Protein change: p.Arg202His; replaces arginine 202 with histidine.
Molecular consequence: missense variant.
Genome position (GRCh38, 1-based): chr15:90,940,391, G>A. VCF-style: chr15-90940391-G-A. GRCh37 (hg19) VCF-style: chr15-91483621-G-A.
Other names: c.560G>A, p.Arg187His (NM_001039675.2, NM_001323621.2); c.605G>A, p.Arg202His (NM_001323619.1); c.170G>A, p.Arg57His (NM_001323620.2); short protein forms R202H, R57H, R187H.
Identifiers: ClinVar variation 1918868 (VCV001918868.5), dbSNP rs752692631, ClinGen allele CA7742602.
Genomic context (GRCh38, chr15:90,940,391, plus strand): 5'-CCAGGGAGGATGCTGGAGCGGAGAAGATCTTCCGGAGTAATGGGGTTCAGCTCTTGCAAC[G>A]TTTACTGGACATGGGAGAGACTGACCTCATGCTGGCGGCTCTGCGTACGCTGGTTGGCAT-3'
Protein context (NP_061141.2, residues 192-212): FRSNGVQLLQ[Arg202His]LLDMGETDLM